The following is an entry in ClinVar:

NM_005677.4(COLQ):c.1108G>A (p.Asp370Asn)

Gene: COLQ (collagen like tail subunit of asymmetric acetylcholinesterase; minus strand). Cytogenetic location: 3p25.1.
Variant type: single nucleotide variant.
Coding change: c.1108G>A on transcript NM_005677.4 (MANE Select); coding-DNA position 1108, G replaced by A.
Protein change: p.Asp370Asn; replaces aspartic acid 370 with asparagine.
Molecular consequence: missense variant.
Genome position (GRCh38, 1-based): chr3:15,455,986, C>T on the plus strand (G>A on the coding strand, the complement: COLQ is on the minus strand). VCF-style: chr3-15455986-C-T. GRCh37 (hg19) VCF-style: chr3-15497493-C-T.
Other names: p.Asp370Asn; c.1078G>A, p.Asp360Asn (NM_080538.2); c.1006G>A, p.Asp336Asn (NM_080539.4); short protein forms D370N, D336N, D360N.
Identifiers: ClinVar variation 259850 (VCV000259850.22), dbSNP rs116373583, ClinGen allele CA2275871.

ClinVar aggregate classification (germline): Benign/Likely benign. Review status: criteria provided, multiple submitters, no conflicts (2 of 4 stars). 8 submissions from 8 submitters: Benign (4); Likely benign (4). Last evaluated 2026-01-28.

Conditions:
Congenital myasthenic syndrome 5. Identifiers: Orphanet 590, MedGen C1864233, MONDO:0011281, OMIM 603034.

Allele frequency attached by ClinVar (database versions not stated): ExAC 0.00178; TOPMed 0.00677; 1000 Genomes Project 30x 0.00812; 1000 Genomes Project 0.00719; gnomAD 0.00649 and 0.00610; ESP Exome Variant Server 0.00700.
gnomAD v4.1: 1,832 of 1,614,136 alleles (0.11%); highest among the groups gnomAD compares: African/African-American, 2.2%; 23 homozygotes.

Submissions (8):

Labcorp Genetics (formerly Invitae), Labcorp
Classification: Benign for Congenital myasthenic syndrome 5. Last evaluated: 2026-01-28. Review status: criteria provided, single submitter. Criteria: Invitae Variant Classification Sherloc (09022015). Collection method: clinical testing. Allele origin: germline.

Mayo Clinic Laboratories, Mayo Clinic
Classification: Benign. Last evaluated: 2025-06-27. Review status: criteria provided, single submitter. Criteria: ACMG Guidelines, 2015. Collection method: clinical testing. Allele origin: germline. Observed: 1 variant allele.
Comment: BS1, BS2, BP4

Women's Health and Genetics/Laboratory Corporation of America, LabCorp
Classification: Likely benign. Last evaluated: 2022-02-18. Review status: criteria provided, single submitter. Criteria: LabCorp Variant Classification Summary - May 2015. Collection method: clinical testing. Allele origin: germline.

GeneDx
Classification: Likely benign. Last evaluated: 2021-10-05. Review status: criteria provided, single submitter. Criteria: GeneDx Variant Classification Process June 2021. Collection method: clinical testing. Allele origin: germline. Affected: yes.
Comment: See Variant Classification Assertion Criteria.

Athena Diagnostics
Classification: Benign. Last evaluated: 2019-03-19. Review status: criteria provided, single submitter. Criteria: Athena Diagnostics Criteria. Collection method: clinical testing. Allele origin: germline.

Eurofins Ntd Llc (ga)
Classification: Benign. Last evaluated: 2015-09-17. Review status: criteria provided, single submitter. Criteria: EGL Classification Definitions 2015. Collection method: clinical testing. Allele origin: germline. Observed: 1 variant allele, 1 heterozygote.

Breakthrough Genomics
Classification: Likely benign. Review status: criteria provided, single submitter. Criteria: ACMG Guidelines, 2015. Collection method: not provided. Allele origin: germline. Inheritance: Autosomal recessive inheritance. Affected: yes.

PreventionGenetics, part of Exact Sciences
Classification: Likely benign. Review status: criteria provided, single submitter. Criteria: ACMG Guidelines, 2015. Collection method: clinical testing. Allele origin: germline.

Literature cited by the submitters: PubMed 24281389 (cited by Mayo Clinic Laboratories, Mayo Clinic and Athena Diagnostics).